The following is an entry in ClinVar:

ClinVar aggregate classification (germline): Likely pathogenic (1 of 4 stars; one submission).

Conditions:
Cutis laxa with severe pulmonary, gastrointestinal and urinary anomalies. Also called: Cutis laxa, autosomal recessive, type IC; URBAN-RIFKIN-DAVIS SYNDROME; LTBP4-Related Cutis Laxa. Identifiers: Orphanet 221145, MedGen C2750804, MONDO:0013170, OMIM 613177. Disease mechanism: loss of function.

gnomAD v4.1: 1 of 1,610,962 alleles (0.000062%); highest among the groups gnomAD compares: African/African-American, 0.0013%; no homozygotes.

Submission:

3billion
Classification: Likely pathogenic for Cutis laxa with severe pulmonary, gastrointestinal and urinary anomalies. Last evaluated: 2023-09-21. Review status: criteria provided, single submitter. Criteria: ACMG Guidelines, 2015. Collection method: clinical testing. Allele origin: germline. Affected: yes.
Comment: The variant is not observed in the gnomAD v2.1.1 dataset. Predicted Consequence/Location: Stop-gained (nonsense): predicted to result in a loss or disruption of normal protein function through nonsense-mediated decay (NMD) or protein truncation. Multiple pathogenic variants are reported downstream of the variant. Therefore, this variant is classified as Likely pathogenic according to the recommendation of ACMG/AMP guideline.

NM_001042545.2(LTBP4):c.3202C>T (p.Pro1068Ser)

Gene: LTBP4 (latent transforming growth factor beta binding protein 4; plus strand). Cytogenetic location: 19q13.2.
Variant type: single nucleotide variant.
Coding change: c.3202C>T on transcript NM_001042545.2 (MANE Select); coding-DNA position 3202, C replaced by T.
Protein change: p.Pro1068Ser; replaces proline 1068 with serine.
Molecular consequence: missense variant.
Genome position (GRCh38, 1-based): chr19:40,619,478, C>T. VCF-style: chr19-40619478-C-T. GRCh37 (hg19) VCF-style: chr19-41125383-C-T.
Other names: c.3403C>T, p.Pro1135Ser (NM_001042544.1); c.3292C>T, p.Pro1098Ser (NM_003573.2); short protein forms P1068S, P1098S, P1135S.
Identifiers: ClinVar variation 3775718 (VCV003775718.1).